The following is an entry in ClinVar:

NC_000013.10:g.(?_32971015)_(32972907_?)del

Gene: BRCA2 (BRCA2 DNA repair associated; plus strand). Cytogenetic location: 13q13.1.
Variant type: Deletion.
Identifiers: ClinVar variation 3244169 (VCV003244169.1).

ClinVar aggregate classification (germline): Pathogenic (1 of 4 stars; one submission).

Conditions:
Hereditary breast ovarian cancer syndrome. Also called: Hereditary breast and ovarian cancer syndrome; Hereditary breast and ovarian cancer; Hereditary breast and ovarian cancer syndrome (HBOC); Breast and ovarian cancer; Hereditary breast and/or ovarian cancer syndrome; BRCA1- and BRCA2-Associated Hereditary Breast and Ovarian Cancer. Identifiers: Orphanet 145, MedGen C0677776, MeSH D061325, MONDO:0003582. Disease mechanism: loss of function.

Submission:

Labcorp Genetics (formerly Invitae), Labcorp
Classification: Pathogenic for Hereditary breast ovarian cancer syndrome. Last evaluated: 2023-03-17. Review status: criteria provided, single submitter. Criteria: Invitae Variant Classification Sherloc (09022015). Collection method: clinical testing. Allele origin: unknown.
Comment: For these reasons, this variant has been classified as Pathogenic. This variant disrupts a region of the BRCA2 protein in which other variant(s) (p.Tyr3225Ilefs*30, p.Tyr3308*) have been determined to be pathogenic (PMID: 12065746, 17026620, 18593900, 18607349, 22711857). This suggests that this is a clinically significant region of the protein, and that variants that disrupt it are likely to be disease-causing. This variant has not been reported in the literature in individuals affected with BRCA2-related conditions. This variant is a gross deletion of the genomic region encompassing exon(s) 26-27 of the BRCA2 gene, which includes the termination codon. This deletion extends beyond the assayed region for this gene and therefore may encompass additional genes. While this deletion is not anticipated to lead to nonsense mediated decay, it is expected to alter mRNA translation or result in a truncated protein product.

Literature cited by the submitters: PubMed 12065746; PubMed 17026620; PubMed 18593900; PubMed 18607349; PubMed 22711857.